The following is an entry in ClinVar:

ClinVar aggregate classification (germline): Uncertain significance. Review status: criteria provided, multiple submitters, no conflicts (2 of 4 stars). 3 submissions from 3 submitters: Uncertain significance (3). Last evaluated 2025-06-27.

Conditions:
Hereditary cancer-predisposing syndrome. Also called: Neoplastic Syndromes, Hereditary; Hereditary Cancer Syndrome; Tumor predisposition; Hereditary neoplastic syndrome. Identifiers: Orphanet 140162, MedGen C0027672, MeSH D009386, MONDO:0015356.
Multiple endocrine neoplasia, type 1 (MEN1). Also called: Endocrine adenomatosis multiple; MEN 1; MEA I; MEN I; WERMER SYNDROME. Identifiers: Orphanet 652, MedGen C0025267, MeSH D018761, MONDO:0007540, OMIM 131100.

Submissions (3):

Ambry Genetics
Classification: Uncertain significance for Hereditary cancer-predisposing syndrome. Last evaluated: 2025-06-27. Review status: criteria provided, single submitter. Criteria: Ambry Variant Classification Scheme 2023. Collection method: clinical testing. Allele origin: germline.
Comment: The c.1407_1421del15 variant (also known as p.P470_E474del) is located in coding exon 9 of the MEN1 gene. This variant results from an in-frame GCCGTGGGGCGAGGA deletion at nucleotide positions 1407 to 1421. This results in the in-frame deletion of 5 amino acid residues at codons 470 to 474. This amino acid region is well conserved in available vertebrate species. In addition, this alteration is predicted to be deleterious by in silico analysis (Choi Y et al. PLoS ONE. 2012; 7(10):e46688). Based on the available evidence, the clinical significance of this variant remains unclear.

Color Diagnostics, LLC DBA Color Health
Classification: Uncertain significance for Multiple endocrine neoplasia, type 1. Last evaluated: 2025-06-26. Review status: criteria provided, single submitter. Criteria: ACMG Guidelines, 2015. Collection method: clinical testing. Allele origin: germline.
Comment: This variant results in an in-frame deletion of 5 amino acids (p.Pro470_Glu474del) in the MEN1 protein. To our knowledge, functional studies have not been reported for this variant. This variant has not been reported in individuals affected with MEN1-related disorders in the literature. This variant has not been identified in the general population by the Genome Aggregation Database (gnomAD). The available evidence is insufficient to determine the role of this variant in disease conclusively. Therefore, this variant is classified as a Variant of Uncertain Significance.

Labcorp Genetics (formerly Invitae), Labcorp
Classification: Uncertain significance for Multiple endocrine neoplasia, type 1. Last evaluated: 2022-10-26. Review status: criteria provided, single submitter. Criteria: Invitae Variant Classification Sherloc (09022015). Collection method: clinical testing. Allele origin: germline.
Comment: This variant, c.1407_1421del, results in the deletion of 5 amino acid(s) of the MEN1 protein (p.Pro470_Glu474del), but otherwise preserves the integrity of the reading frame. This variant is not present in population databases (gnomAD no frequency). This variant has not been reported in the literature in individuals affected with MEN1-related conditions. ClinVar contains an entry for this variant (Variation ID: 457296). Experimental studies and prediction algorithms are not available or were not evaluated, and the functional significance of this variant is currently unknown. In summary, the available evidence is currently insufficient to determine the role of this variant in disease. Therefore, it has been classified as a Variant of Uncertain Significance.

NM_001370259.2(MEN1):c.1407_1421del (p.Pro470_Glu474del)

Gene: MEN1 (menin 1; minus strand). Cytogenetic location: 11q13.1.
Variant type: Deletion.
Coding change: c.1407_1421del on transcript NM_001370259.2 (MANE Select); coding-DNA positions 1407 to 1421, 15 bases deleted (GCCGTGGGGCGAGGA).
Protein change: p.Pro470_Glu474del.
Molecular consequence: inframe deletion.
Genome position (GRCh38, 1-based): chr11:64,804,746-64,804,760, TCCTCGCCCCACGGC deleted on the plus strand (GCCGTGGGGCGAGGA on the coding strand, the reverse complement: MEN1 is on the minus strand); deleting any 15 consecutive bases within chr11:64,804,746-64,804,766 gives the same sequence; the c. name uses the placement nearest the transcript's 3' end. VCF-style (leftmost placement, unchanged base first): chr11-64804745-TTCCTCGCCCCACGGC-T. GRCh37 (hg19) VCF-style: chr11-64572217-TTCCTCGCCCCACGGC-T.
Other names: c.1407_1421delGCCGTGGGGCGAGGA (NM_130799.2); c.1422_1436del, p.Pro475_Glu479del (NM_000244.4, NM_130800.3, NM_130801.3 and 3 more transcripts); c.1533_1547del, p.Pro512_Glu516del (NM_001370251.2); c.1407_1421del, p.Pro470_Glu474del (NM_001370260.2, NM_001370261.2, NM_130799.3); c.1302_1316del, p.Pro435_Glu439del (NM_001370262.2, NM_001370263.2).
Identifiers: ClinVar variation 457296 (VCV000457296.14), dbSNP rs1033303123, ClinGen allele CA223912041.